The following is an entry in ClinVar:

ClinVar aggregate classification (germline): Uncertain significance. Review status: reviewed by expert panel (3 of 4 stars). 5 submissions from 5 submitters: Uncertain significance (1). 4 of the submissions do not count toward it. Last evaluated 2025-10-28.

Conditions:
DICER1-related tumor predisposition. Also called: DICER1-related pleuropulmonary blastoma cancer predisposition syndrome; DICER1 syndrome. Identifiers: Orphanet 284343, MedGen C3839822, MONDO:0100216.
Hereditary cancer-predisposing syndrome. Also called: Hereditary neoplastic syndrome; Neoplastic Syndromes, Hereditary; Tumor predisposition; Hereditary Cancer Syndrome. Identifiers: Orphanet 140162, MedGen C0027672, MeSH D009386, MONDO:0015356.

Allele frequency attached by ClinVar (database versions not stated): TOPMed 0.00002.
gnomAD v4.1: 5 of 1,613,764 alleles (0.00031%); highest among the groups gnomAD compares: East Asian, 0.011%; no homozygotes.

Submissions (5):

ClinGen DICER1 and miRNA-Processing Gene Variant Curation Expert Panel, ClinGen
Classification: Uncertain significance for DICER1-related tumor predisposition. Last evaluated: 2025-10-28. Review status: reviewed by expert panel. Criteria: ClinGen DICER1 ACMG Specifications DICER1 V1.4.0. Collection method: curation. Allele origin: germline. Inheritance: Autosomal dominant inheritance.
Comment: The NM_177438.3:c.1381A>T variant in DICER1 is a missense variant predicted to cause substitution of isoleucine by leucine at amino acid 461 (p.Ile461Leu). Although this variant has been observed in individuals undergoing genetic sequencing, to our knowledge, this variant has not been reported in individuals with DICER1-related tumor predisposition (PS4 not met; Internal lab contributors). The total allele frequency in gnomAD v4.1.0 is 0.000003098 (5/1613764 alleles) with a highest population minor allele frequency of 0.0001114 (5/44872 alleles) in the East Asian population and with multiple alleles present in the East Asian population (PM2_Supporting, BS1, and BA1 are not met). In silico tools predict no damaging impact of the variant on protein function (REVEL: 0.282: MaxEntScan and SpliceAI: no effect on splicing) (BP4). In summary, this variant meets the criteria to be classified as Uncertain Significance for DICER1-related tumor predisposition based on the ACMG/AMP criteria applied, as specified by the ClinGen DICER1 VCEP: BP4. (Bayesian Points: -1; VCEP specifications version 1.4.0; 10/28/2025)

Center for Genomic Medicine, Rigshospitalet, Copenhagen University Hospital
Classification: Uncertain significance. Last evaluated: 2025-03-04. Review status: criteria provided, single submitter. Criteria: ACMG Guidelines, 2015. Collection method: clinical testing. Allele origin: germline. Not counted in ClinVar's aggregate classification.

Ambry Genetics
Classification: Uncertain significance for Hereditary cancer-predisposing syndrome. Last evaluated: 2024-09-08. Review status: criteria provided, single submitter. Criteria: Ambry Variant Classification Scheme 2023. Collection method: clinical testing. Allele origin: germline. Not counted in ClinVar's aggregate classification.
Comment: The p.I461L variant (also known as c.1381A>T), located in coding exon 8 of the DICER1 gene, results from an A to T substitution at nucleotide position 1381. The isoleucine at codon 461 is replaced by leucine, an amino acid with highly similar properties. This amino acid position is highly conserved in available vertebrate species. In addition, this alteration is predicted to be tolerated by in silico analysis. Since supporting evidence is limited at this time, the clinical significance of this alteration remains unclear.

Labcorp Genetics (formerly Invitae), Labcorp
Classification: Uncertain significance for DICER1-related tumor predisposition. Last evaluated: 2024-07-20. Review status: criteria provided, single submitter. Criteria: Invitae Variant Classification Sherloc (09022015). Collection method: clinical testing. Allele origin: germline. Not counted in ClinVar's aggregate classification.
Comment: This sequence change replaces isoleucine, which is neutral and non-polar, with leucine, which is neutral and non-polar, at codon 461 of the DICER1 protein (p.Ile461Leu). This variant is present in population databases (rs141163928, gnomAD 0.03%). This variant has not been reported in the literature in individuals affected with DICER1-related conditions. ClinVar contains an entry for this variant (Variation ID: 485533). Advanced modeling of protein sequence and biophysical properties (such as structural, functional, and spatial information, amino acid conservation, physicochemical variation, residue mobility, and thermodynamic stability) performed at Invitae indicates that this missense variant is not expected to disrupt DICER1 protein function with a negative predictive value of 80%. In summary, the available evidence is currently insufficient to determine the role of this variant in disease. Therefore, it has been classified as a Variant of Uncertain Significance.

GeneDx
Classification: Uncertain significance. Last evaluated: 2023-08-01. Review status: criteria provided, single submitter. Criteria: GeneDx Variant Classification Process June 2021. Collection method: clinical testing. Allele origin: germline. Affected: yes. Not counted in ClinVar's aggregate classification.
Comment: Not observed at significant frequency in large population cohorts (gnomAD); In silico analysis supports that this missense variant does not alter protein structure/function; Has not been previously published as pathogenic or benign to our knowledge

NM_177438.3(DICER1):c.1381A>T (p.Ile461Leu)

Gene: DICER1 (dicer 1, ribonuclease III; minus strand). Cytogenetic location: 14q32.13.
Variant type: single nucleotide variant.
Coding change: c.1381A>T on transcript NM_177438.3 (MANE Select); coding-DNA position 1381, A replaced by T.
Protein change: p.Ile461Leu; replaces isoleucine 461 with leucine.
Molecular consequence: missense variant.
Genome position (GRCh38, 1-based): chr14:95,117,750, T>A on the plus strand (A>T on the coding strand, the complement: DICER1 is on the minus strand). VCF-style: chr14-95117750-T-A. GRCh37 (hg19) VCF-style: chr14-95584087-T-A.
Other names: NM_177438.3(DICER1):c.1381A>T; p.Ile461Leu; c.1381A>T, p.Ile461Leu (NM_001195573.1, NM_001271282.3, NM_001291628.2 and 1 more transcripts); short protein forms I461L.
Identifiers: ClinVar variation 485533 (VCV000485533.17), dbSNP rs141163928, ClinGen allele CA7331488.